The following is an entry in ClinVar:

ClinVar aggregate classification (germline): Uncertain significance (1 of 4 stars; one submission).

Submission:

Labcorp Genetics (formerly Invitae), Labcorp
Classification: Uncertain significance. Last evaluated: 2023-09-22. Review status: criteria provided, single submitter. Criteria: Invitae Variant Classification Sherloc (09022015). Collection method: clinical testing. Allele origin: germline.
Comment: In summary, the available evidence is currently insufficient to determine the role of this variant in disease. Therefore, it has been classified as a Variant of Uncertain Significance. Advanced modeling of protein sequence and biophysical properties (such as structural, functional, and spatial information, amino acid conservation, physicochemical variation, residue mobility, and thermodynamic stability) performed at Invitae indicates that this missense variant is expected to disrupt GUF1 protein function. This variant has not been reported in the literature in individuals affected with GUF1-related conditions. This variant is not present in population databases (gnomAD no frequency). This sequence change replaces threonine, which is neutral and polar, with lysine, which is basic and polar, at codon 428 of the GUF1 protein (p.Thr428Lys).

NM_021927.3(GUF1):c.1283C>A (p.Thr428Lys)

Gene: GUF1 (GTP binding elongation factor GUF1; plus strand). Cytogenetic location: 4p12.
Variant type: single nucleotide variant.
Coding change: c.1283C>A on transcript NM_021927.3 (MANE Select); coding-DNA position 1283, C replaced by A.
Protein change: p.Thr428Lys; replaces threonine 428 with lysine.
Molecular consequence: missense variant.
Genome position (GRCh38, 1-based): chr4:44,689,923, C>A. VCF-style: chr4-44689923-C-A. GRCh37 (hg19) VCF-style: chr4-44691940-C-A.
Other names: c.311C>A, p.Thr104Lys (NM_001345867.2, NM_001345869.2); c.1283C>A, p.Thr428Lys (NM_001345868.2); short protein forms T104K, T428K.
Identifiers: ClinVar variation 2725968 (VCV002725968.3), dbSNP rs1715321218, ClinGen allele CA356763440.